The following is an entry in ClinVar:

ClinVar aggregate classification (germline): Uncertain significance (1 of 4 stars; one submission).

Conditions:
Cardiovascular phenotype. Identifiers: MedGen CN230736.

Submission:

Ambry Genetics
Classification: Uncertain significance for Cardiovascular phenotype. Last evaluated: 2025-02-01. Review status: criteria provided, single submitter. Criteria: Ambry Variant Classification Scheme 2023. Collection method: clinical testing. Allele origin: germline.
Comment: The p.D3755G variant (also known as c.11264A>G), located in coding exon 26 of the APOB gene, results from an A to G substitution at nucleotide position 11264. The aspartic acid at codon 3755 is replaced by glycine, an amino acid with similar properties. This amino acid position is conserved. In addition, this alteration is predicted to be tolerated by in silico analysis. Based on the available evidence, the clinical significance of this variant remains unclear.

NM_000384.3(APOB):c.11264A>G (p.Asp3755Gly)

Gene: APOB (apolipoprotein B; minus strand). Cytogenetic location: 2p24.1.
Variant type: single nucleotide variant.
Coding change: c.11264A>G on transcript NM_000384.3 (MANE Select); coding-DNA position 11264, A replaced by G.
Protein change: p.Asp3755Gly; replaces aspartic acid 3755 with glycine.
Molecular consequence: missense variant.
Genome position (GRCh38, 1-based): chr2:21,005,604, T>C on the plus strand (A>G on the coding strand, the complement: APOB is on the minus strand). VCF-style: chr2-21005604-T-C. GRCh37 (hg19) VCF-style: chr2-21228476-T-C.
Other names: short protein forms D3755G.
Identifiers: ClinVar variation 3885227 (VCV003885227.1).